The following is an entry in ClinVar:

ClinVar aggregate classification (germline): Pathogenic (1 of 4 stars; one submission).

Submission:

Centre of Medical Genetics, University Hospital Muenster
Classification: Pathogenic. Last evaluated: 2024-10-30. Review status: criteria provided, single submitter. Criteria: ACMG Guidelines, 2015. Collection method: clinical testing. Allele origin: unknown. Affected: yes. Observed: 1 variant allele, 1 homozygote.
Comment: ACMG categories: PVS1,PM2,PM3

NM_015354.3(NUP188):c.873_879del (p.Arg291fs)

Gene: NUP188 (nucleoporin 188; plus strand). Cytogenetic location: 9q34.11.
Variant type: Deletion.
Coding change: c.873_879del on transcript NM_015354.3 (MANE Select); coding-DNA positions 873 to 879, 7 bases deleted (AGAACTG; older notation c.873_879delAGAACTG).
Protein change: p.Arg291fs; shifts the reading frame from arginine 291.
Molecular consequence: frameshift variant.
Genome position (GRCh38, 1-based): chr9:128,969,475-128,969,481, AGAACTG deleted; deleting any 7 consecutive bases within chr9:128,969,474-128,969,481 gives the same sequence; the c. name uses the placement nearest the transcript's 3' end. VCF-style (leftmost placement, unchanged base first): chr9-128969473-AGAGAACT-A. GRCh37 (hg19) VCF-style: chr9-131731752-AGAGAACT-A.
Other names: short protein forms R291fs.
Identifiers: ClinVar variation 3383398 (VCV003383398.2).